The following is an entry in ClinVar:

NM_006005.3(WFS1):c.280A>G (p.Arg94Gly)

Gene: WFS1 (wolframin ER transmembrane glycoprotein; plus strand). Cytogenetic location: 4p16.1.
Variant type: single nucleotide variant.
Coding change: c.280A>G on transcript NM_006005.3 (MANE Select); coding-DNA position 280, A replaced by G.
Protein change: p.Arg94Gly; replaces arginine 94 with glycine.
Molecular consequence: missense variant.
Genome position (GRCh38, 1-based): chr4:6,287,140, A>G. VCF-style: chr4-6287140-A-G. GRCh37 (hg19) VCF-style: chr4-6288867-A-G.
Other names: c.280A>G, p.Arg94Gly (NM_001145853.1); short protein forms R94G.
Identifiers: ClinVar variation 2125316 (VCV002125316.4), dbSNP rs2474168110, ClinGen allele CA356170949.

ClinVar aggregate classification (germline): Uncertain significance (1 of 4 stars; one submission).

Submission:

Labcorp Genetics (formerly Invitae), Labcorp
Classification: Uncertain significance. Last evaluated: 2022-04-12. Review status: criteria provided, single submitter. Criteria: Invitae Variant Classification Sherloc (09022015). Collection method: clinical testing. Allele origin: germline.
Comment: In summary, the available evidence is currently insufficient to determine the role of this variant in disease. Therefore, it has been classified as a Variant of Uncertain Significance. Advanced modeling of protein sequence and biophysical properties (such as structural, functional, and spatial information, amino acid conservation, physicochemical variation, residue mobility, and thermodynamic stability) performed at Invitae indicates that this missense variant is not expected to disrupt WFS1 protein function. This variant has not been reported in the literature in individuals affected with WFS1-related conditions. This variant is not present in population databases (gnomAD no frequency). This sequence change replaces arginine, which is basic and polar, with glycine, which is neutral and non-polar, at codon 94 of the WFS1 protein (p.Arg94Gly).